The following is an entry in ClinVar:

ClinVar aggregate classification (germline): Uncertain significance (1 of 4 stars; one submission).

Conditions:
ANGPT1-related disorder. Also called: ANGPT1-related condition.

Submission:

PreventionGenetics, part of Exact Sciences
Classification: Uncertain significance for ANGPT1-related condition. Last evaluated: 2023-01-04. Review status: criteria provided, single submitter. Criteria: ACMG Guidelines, 2015. Collection method: clinical testing. Allele origin: germline.
Comment: The ANGPT1 c.306T>A variant is predicted to result in the amino acid substitution p.Asn102Lys. To our knowledge, this variant has not been reported in the literature or in a large population database, indicating this variant is rare. At this time, the clinical significance of this variant is uncertain due to the absence of conclusive functional and genetic evidence.

NM_001146.5(ANGPT1):c.306T>A (p.Asn102Lys)

Gene: ANGPT1 (angiopoietin 1; minus strand). Cytogenetic location: 8q23.1.
Variant type: single nucleotide variant.
Coding change: c.306T>A on transcript NM_001146.5 (MANE Select); coding-DNA position 306, T replaced by A.
Protein change: p.Asn102Lys; replaces asparagine 102 with lysine.
Molecular consequence: missense variant.
Genome position (GRCh38, 1-based): chr8:107,347,089, A>T on the plus strand (T>A on the coding strand, the complement: ANGPT1 is on the minus strand). VCF-style: chr8-107347089-A-T. GRCh37 (hg19) VCF-style: chr8-108359317-A-T.
Other names: c.306T>A, p.Asn102Lys (NM_001199859.3); short protein forms N102K.
Identifiers: ClinVar variation 2629591 (VCV002629591.1), dbSNP rs2488306068, ClinGen allele CA372035040.